The following is an entry in ClinVar:

NM_000311.5(PRNP):c.415A>G (p.Ile139Val)

Gene: PRNP (prion protein; plus strand). Cytogenetic location: 20p13.
Variant type: single nucleotide variant.
Coding change: c.415A>G on transcript NM_000311.5 (MANE Select); coding-DNA position 415, A replaced by G.
Protein change: p.Ile139Val; replaces isoleucine 139 with valine.
Molecular consequence: missense variant. On other transcripts: 3 prime UTR variant (1).
Genome position (GRCh38, 1-based): chr20:4,699,635, A>G. VCF-style: chr20-4699635-A-G. GRCh37 (hg19) VCF-style: chr20-4680281-A-G.
Other names: c.415A>G, p.Ile139Val (NM_001080121.3, NM_001080122.3, NM_001080123.3 and 1 more transcripts); c.*104A>G (NM_001271561.3); short protein forms I139V.
Identifiers: ClinVar variation 450790 (VCV000450790.2), dbSNP rs1555782056, ClinGen allele CA408152295.

ClinVar aggregate classification (germline): Uncertain significance (1 of 4 stars; one submission).

gnomAD v4.1: 1 of 1,614,074 alleles (0.000062%); highest among the groups gnomAD compares: Non-Finnish European, 0.000085%; no homozygotes.

Submission:

GeneDx
Classification: Uncertain significance. Last evaluated: 2017-07-26. Review status: criteria provided, single submitter. Criteria: GeneDx Variant Classification (06012015). Collection method: clinical testing. Allele origin: germline. Affected: yes.
Comment: The I139V variant in the PRNP gene has not been reported previously as a pathogenic variant, nor as a benign variant, to our knowledge. The I139V variant is not observed in large population cohorts (Lek et al., 2016; 1000 Genomes Consortium et al., 2015; Exome Variant Server). The I139V variant is a conservative amino acid substitution, which is not likely to impact secondary protein structure as these residues share similar properties. This substitution occurs at a position that is not conserved. In silico analysis predicts this variant likely does not alter the protein structure/function. We interpret I139V as a variant of uncertain significance